The following is an entry in ClinVar:

NM_020433.5(JPH2):c.421T>C (p.Tyr141His)

Gene: JPH2 (junctophilin 2; minus strand). Cytogenetic location: 20q13.12.
Variant type: single nucleotide variant.
Coding change: c.421T>C on transcript NM_020433.5 (MANE Select); coding-DNA position 421, T replaced by C.
Protein change: p.Tyr141His; replaces tyrosine 141 with histidine.
Molecular consequence: missense variant.
Genome position (GRCh38, 1-based): chr20:44,160,366, A>G on the plus strand (T>C on the coding strand, the complement: JPH2 is on the minus strand). VCF-style: chr20-44160366-A-G. GRCh37 (hg19) VCF-style: chr20-42789006-A-G.
Other names: short protein forms Y141H.
Identifiers: ClinVar variation 30456 (VCV000030456.8), dbSNP rs387906897, ClinGen allele CA129218.

ClinVar aggregate classification (germline): Conflicting classifications of pathogenicity. Review status: criteria provided, conflicting classifications (1 of 4 stars). 4 submissions from 4 submitters: Likely pathogenic (1); Uncertain significance (2). 1 of the submissions does not count toward it. Last evaluated 2021-07-20.

Conditions:
Cardiovascular phenotype. Identifiers: MedGen CN230736.
Hypertrophic cardiomyopathy 17. Identifiers: MedGen C3151264, MONDO:0013474, OMIM 613873.
Hypertrophic cardiomyopathy 1 (CMH1). Also called: MYH7-Related Familial Hypertrophic Cardiomyopathy; Familial hypertrophic cardiomyopathy 1. Identifiers: MedGen C3495498, MONDO:0008647, OMIM 192600.

Allele frequency attached by ClinVar (database versions not stated): gnomAD 0.00001 and 0.00002; gnomAD exomes 0.00001; TOPMed 0.00003; ExAC 0.00002.
gnomAD v4.1: 19 of 1,605,632 alleles (0.0012%); highest among the groups gnomAD compares: Non-Finnish European, 0.0015%; no homozygotes.

Submissions (4):

AiLife Diagnostics
Classification: Likely pathogenic. Last evaluated: 2021-07-20. Review status: criteria provided, single submitter. Criteria: ACMG Guidelines, 2015. Collection method: clinical testing. Allele origin: germline. Affected: yes. Observed: 1 variant allele.

Ambry Genetics
Classification: Uncertain significance for Cardiovascular phenotype. Last evaluated: 2020-08-26. Review status: criteria provided, single submitter. Criteria: Ambry Variant Classification Scheme 2023. Collection method: clinical testing. Allele origin: germline.
Comment: The p.Y141H variant (also known as c.421T>C), located in coding exon 2 of the JPH2 gene, results from a T to C substitution at nucleotide position 421. This variant was reported in one sporadic hypertrophic cardiomyopathy (HCM) case, and functional studies indicate that this alteration may impact protein function (Landstrom AP et al. J. Mol. Cell. Cardiol., 2007 Jun;42:1026-35; Woo JS et al. J. Biol. Chem., 2012 Apr;287:14336-48). The tyrosine at codon 141 is replaced by histidine, an amino acid with similar properties. This amino acid position is highly conserved in available vertebrate species. In addition, the in silico prediction for this alteration is inconclusive. Since supporting evidence is limited at this time, the clinical significance of this alteration remains unclear.

Molecular Diagnostic Laboratory for Inherited Cardiovascular Disease, Montreal Heart Institute
Classification: Uncertain significance for Hypertrophic cardiomyopathy 1. Last evaluated: 2020-02-29. Review status: criteria provided, single submitter. Criteria: ACMG Guidelines, 2015. Collection method: clinical testing. Allele origin: germline. Affected: yes.

OMIM
Classification: Pathogenic for CARDIOMYOPATHY, FAMILIAL HYPERTROPHIC 17. Last evaluated: 2007-06-01. Review status: no assertion criteria provided. Collection method: literature only. Allele origin: germline. Not counted in ClinVar's aggregate classification.

Literature cited by the submitters: PubMed 17509612 (cited by 3 submitters); PubMed 22389502 (cited by AiLife Diagnostics and Ambry Genetics).